The following is an entry in ClinVar:

ClinVar aggregate classification (germline): Likely pathogenic (1 of 4 stars; one submission).

Conditions:
Duchenne muscular dystrophy (DMD). Also called: Duchenne Muscular Dystrophy (DMD); MUSCULAR DYSTROPHY, PSEUDOHYPERTROPHIC PROGRESSIVE, DUCHENNE TYPE. Identifiers: Orphanet 98896, MedGen C0013264, MONDO:0010679, OMIM 310200.

Submission:

Kariminejad - Najmabadi Pathology & Genetics Center
Classification: Likely pathogenic for Duchenne muscular dystrophy. Last evaluated: 2024-02-19. Review status: criteria provided, single submitter. Criteria: ACMG Guidelines, 2015. Collection method: clinical testing. Allele origin: germline. Inheritance: X-linked inheritance. Affected: yes.
Comment: PVS1, PM2

NM_004006.3(DMD):c.4945dup (p.Val1649fs)

Gene: DMD (dystrophin; minus strand). Cytogenetic location: Xp21.1.
Variant type: Duplication.
Coding change: c.4945dup on transcript NM_004006.3 (MANE Select); coding-DNA position 4945, one base duplicated (G; older notation c.4945dupG).
Protein change: p.Val1649fs; shifts the reading frame from valine 1649.
Molecular consequence: frameshift variant.
Genome position (GRCh38, 1-based): chrX:32,365,100, C duplicated on the plus strand (G on the coding strand, the reverse complement: DMD is on the minus strand); the first of 2 consecutive C bases (chrX:32,365,100-32,365,101); duplicating either gives the same sequence. VCF-style (leftmost placement, unchanged base first): chrX-32365099-A-AC. GRCh37 (hg19) VCF-style: chrX-32383216-A-AC.
Other names: c.4921dup, p.Val1641fs (NM_000109.4); c.4933dup, p.Val1645fs (NM_004009.3); c.4576dup, p.Val1526fs (NM_004010.3); c.922dup, p.Val308fs (NM_004011.4); c.913dup, p.Val305fs (NM_004012.4); c.4945dupG (NM_004006.3); short protein forms V1526fs, V1641fs, V1645fs, V1649fs, V305fs, V308fs.
Identifiers: ClinVar variation 3896839 (VCV003896839.1).